The following is an entry in ClinVar:

NM_015202.5(KATNIP):c.2667C>T (p.Arg889=)

Gene: KATNIP (katanin interacting protein; plus strand). Cytogenetic location: 16p12.1.
Variant type: single nucleotide variant.
Coding change: c.2667C>T on transcript NM_015202.5 (MANE Select); coding-DNA position 2667, C replaced by T.
Protein change: p.Arg889=; no amino-acid change (arginine 889 retained).
Molecular consequence: synonymous variant.
Genome position (GRCh38, 1-based): chr16:27,749,627, C>T. VCF-style: chr16-27749627-C-T. GRCh37 (hg19) VCF-style: chr16-27760948-C-T.
Identifiers: ClinVar variation 1682061 (VCV001682061.13), dbSNP rs1336212897, ClinGen allele CA494262684.

ClinVar aggregate classification (germline): Likely benign. Review status: criteria provided, multiple submitters, no conflicts (2 of 4 stars). 3 submissions from 3 submitters: Likely benign (3). Last evaluated 2026-03-01.

Allele frequency attached by ClinVar (database versions not stated): TOPMed below 0.00001; gnomAD exomes 0.00001; gnomAD 0.00002.
gnomAD v4.1: 7 of 1,559,548 alleles (0.00045%); highest among the groups gnomAD compares: East Asian, 0.0023%; no homozygotes.

Submissions (3):

CeGaT Center for Human Genetics Tuebingen
Classification: Likely benign. Last evaluated: 2026-03-01. Review status: criteria provided, single submitter. Criteria: CeGaT Center For Human Genetics Tuebingen Variant Classification Criteria Version 2. Collection method: clinical testing. Allele origin: germline. Affected: yes. Observed: 1 variant allele.
Comment: KATNIP: BP4, BP7

Blueprint Genetics
Classification: Likely benign. Last evaluated: 2023-11-21. Review status: criteria provided, single submitter. Criteria: ACMG Guidelines, 2015. Collection method: clinical testing. Allele origin: germline.

Labcorp Genetics (formerly Invitae), Labcorp
Classification: Likely benign. Last evaluated: 2023-06-03. Review status: criteria provided, single submitter. Criteria: Invitae Variant Classification Sherloc (09022015). Collection method: clinical testing. Allele origin: germline.